The following is an entry in ClinVar:

ClinVar aggregate classification (germline): Uncertain significance (1 of 4 stars; one submission).

Conditions:
Epilepsy, familial focal, with variable foci 3 (FFEVF3). Identifiers: MedGen C4310708, MONDO:0014925, OMIM 617118.

Submission:

Labcorp Genetics (formerly Invitae), Labcorp
Classification: Uncertain significance for Epilepsy, familial focal, with variable foci 3. Last evaluated: 2026-01-26. Review status: criteria provided, single submitter. Criteria: Invitae Variant Classification Sherloc (09022015). Collection method: clinical testing. Allele origin: germline.
Comment: This sequence change replaces leucine, which is neutral and non-polar, with serine, which is neutral and polar, at codon 374 of the NPRL3 protein (p.Leu374Ser). This variant is not present in population databases (gnomAD no frequency). This variant has not been reported in the literature in individuals affected with NPRL3-related conditions. ClinVar contains an entry for this variant (Variation ID: 2965015). Invitae Evidence Modeling of protein sequence and biophysical properties (such as structural, functional, and spatial information, amino acid conservation, physicochemical variation, residue mobility, and thermodynamic stability) has been performed for this missense variant. However, the output from this modeling did not meet the statistical confidence thresholds required to predict the impact of this variant on NPRL3 protein function. In summary, the available evidence is currently insufficient to determine the role of this variant in disease. Therefore, it has been classified as a Variant of Uncertain Significance.

NM_001077350.3(NPRL3):c.1121T>C (p.Leu374Ser)

Genes: HBA-LCR (alpha-globin locus control region; plus strand), NPRL3 (NPR3 like, GATOR1 complex subunit; minus strand). Cytogenetic location: 16p13.3.
Variant type: single nucleotide variant.
Coding change: c.1121T>C on transcript NM_001077350.3 (MANE Select); coding-DNA position 1121, T replaced by C.
Protein change: p.Leu374Ser; replaces leucine 374 with serine.
Molecular consequence: missense variant.
Genome position (GRCh38, 1-based): chr16:92,636, A>G on the plus strand (T>C on the coding strand, the complement: NPRL3 is on the minus strand). VCF-style: chr16-92636-A-G. GRCh37 (hg19) VCF-style: chr16-142634-A-G.
Other names: c.584T>C, p.Leu195Ser (NM_001039476.3); c.887T>C, p.Leu296Ser (NM_001243247.2); c.1046T>C, p.Leu349Ser (NM_001243248.2, NM_001243249.2); short protein forms L195S, L374S, L296S, L349S.
Identifiers: ClinVar variation 2965015 (VCV002965015.3), dbSNP rs2542810727, ClinGen allele CA394052954.
Genomic context (GRCh38, chr16:92,636, plus strand): 5'-CTTGAGCTTCTGTGACTCACCTCCTGCACAGCGGGGGCCAGGGGATTCCTAAATTCTGAC[A>G]AGGAGACCGGCAAGGAGAACTTGGCAAGAACGGACGGCAGGTCATGAGATGGGAACTGGT-3'
Protein context (NP_001070818.1, residues 364-384): VLAKFSLPVS[Leu374Ser]SEFRNPLAPA